The following is an entry in ClinVar:

ClinVar aggregate classification (germline): Uncertain significance (1 of 4 stars; one submission).

Submission:

Labcorp Genetics (formerly Invitae), Labcorp
Classification: Uncertain significance. Last evaluated: 2023-08-20. Review status: criteria provided, single submitter. Criteria: Invitae Variant Classification Sherloc (09022015). Collection method: clinical testing. Allele origin: germline.
Comment: This variant is present in population databases (rs775601052, gnomAD 0.006%). This variant has not been reported in the literature in individuals affected with TUBA8-related conditions. Experimental studies and prediction algorithms are not available or were not evaluated, and the functional significance of this variant is currently unknown. In summary, the available evidence is currently insufficient to determine the role of this variant in disease. Therefore, it has been classified as a Variant of Uncertain Significance. This sequence change creates a premature translational stop signal (p.Asn299Glnfs*122) in the TUBA8 gene. While this is not anticipated to result in nonsense mediated decay, it is expected to disrupt the last 151 amino acid(s) of the TUBA8 protein.

NM_018943.3(TUBA8):c.894dup (p.Asn299fs)

Gene: TUBA8 (tubulin alpha 8; plus strand). Cytogenetic location: 22q11.21.
Variant type: Duplication.
Coding change: c.894dup on transcript NM_018943.3 (MANE Select); coding-DNA position 894, one base duplicated (C; older notation c.894dupC).
Protein change: p.Asn299fs; shifts the reading frame from asparagine 299.
Molecular consequence: frameshift variant.
Genome position (GRCh38, 1-based): chr22:18,126,872, C duplicated; the last of 3 consecutive C bases (chr22:18,126,870-18,126,872); duplicating any one gives the same sequence. VCF-style (leftmost placement, unchanged base first): chr22-18126869-G-GC. GRCh37 (hg19) VCF-style: chr22-18609636-G-GC.
Other names: c.696dup, p.Asn233fs (NM_001193414.2); short protein forms N233fs, N299fs.
Identifiers: ClinVar variation 2962511 (VCV002962511.3), dbSNP rs775601052, ClinGen allele CA10093779.
Genomic context (GRCh38, chr22:18,126,869, plus strand): 5'-TGCCGAGAAAGCCTATCACGAACAGCTCTCTGTGGCCGAGATAACCAGCTCCTGCTTTGA[G>GC]CCCAACAGCCAGATGGTGAAGTGCGACCCGAGACATGGCAAGTACATGGCCTGCTGCATG-3'